The following is an entry in ClinVar:

NM_144997.7(FLCN):c.1365G>T (p.Glu455Asp)

Gene: FLCN (folliculin; minus strand). Cytogenetic location: 17p11.2.
Variant type: single nucleotide variant.
Coding change: c.1365G>T on transcript NM_144997.7 (MANE Select); coding-DNA position 1365, G replaced by T.
Protein change: p.Glu455Asp; replaces glutamic acid 455 with aspartic acid.
Molecular consequence: missense variant.
Genome position (GRCh38, 1-based): chr17:17,215,252, C>A on the plus strand (G>T on the coding strand, the complement: FLCN is on the minus strand). VCF-style: chr17-17215252-C-A. GRCh37 (hg19) VCF-style: chr17-17118566-C-A.
Other names: c.1419G>T, p.Glu473Asp (NM_001353229.2); c.1365G>T, p.Glu455Asp (NM_001353230.2, NM_001353231.2); short protein forms E473D, E455D.
Identifiers: ClinVar variation 818947 (VCV000818947.13), dbSNP rs1050188504, ClinGen allele CA288305667.

ClinVar aggregate classification (germline): Conflicting classifications of pathogenicity. Review status: criteria provided, conflicting classifications (1 of 4 stars). 2 submissions from 2 submitters: Uncertain significance (1); Likely benign (1). Last evaluated 2025-11-04.

Conditions:
Birt-Hogg-Dube syndrome. Also called: Birt Hogg Dubé syndrome. Identifiers: Orphanet 122, MedGen C0346010, MONDO:0800444.
Hereditary cancer-predisposing syndrome. Also called: Hereditary Cancer Syndrome; Neoplastic Syndromes, Hereditary; Hereditary neoplastic syndrome; Tumor predisposition. Identifiers: Orphanet 140162, MedGen C0027672, MeSH D009386, MONDO:0015356.

Allele frequency attached by ClinVar (database versions not stated): gnomAD 0.00001; TOPMed 0.00001.

Submissions (2):

Ambry Genetics
Classification: Likely benign for Hereditary cancer-predisposing syndrome. Last evaluated: 2025-11-04. Review status: criteria provided, single submitter. Criteria: Ambry Variant Classification Scheme 2023. Collection method: clinical testing. Allele origin: germline.

Labcorp Genetics (formerly Invitae), Labcorp
Classification: Uncertain significance for Birt-Hogg-Dube syndrome. Last evaluated: 2025-04-01. Review status: criteria provided, single submitter. Criteria: Invitae Variant Classification Sherloc (09022015). Collection method: clinical testing. Allele origin: germline.
Comment: This sequence change replaces glutamic acid, which is acidic and polar, with aspartic acid, which is acidic and polar, at codon 455 of the FLCN protein (p.Glu455Asp). This variant is present in population databases (no rsID available, gnomAD 0.002%). This variant has not been reported in the literature in individuals affected with FLCN-related conditions. ClinVar contains an entry for this variant (Variation ID: 818947). Invitae Evidence Modeling of protein sequence and biophysical properties (such as structural, functional, and spatial information, amino acid conservation, physicochemical variation, residue mobility, and thermodynamic stability) indicates that this missense variant is not expected to disrupt FLCN protein function with a negative predictive value of 80%. In summary, the available evidence is currently insufficient to determine the role of this variant in disease. Therefore, it has been classified as a Variant of Uncertain Significance.